The following is an entry in ClinVar:

NM_001184.4(ATR):c.764T>A (p.Leu255His)

Gene: ATR (ATR checkpoint kinase; minus strand). Cytogenetic location: 3q23.
Variant type: single nucleotide variant.
Coding change: c.764T>A on transcript NM_001184.4 (MANE Select); coding-DNA position 764, T replaced by A.
Protein change: p.Leu255His; replaces leucine 255 with histidine.
Molecular consequence: missense variant.
Genome position (GRCh38, 1-based): chr3:142,562,638, A>T on the plus strand (T>A on the coding strand, the complement: ATR is on the minus strand). VCF-style: chr3-142562638-A-T. GRCh37 (hg19) VCF-style: chr3-142281480-A-T.
Other names: c.764T>A, p.Leu255His (NM_001354579.2); short protein forms L255H.
Identifiers: ClinVar variation 1759976 (VCV001759976.2), dbSNP rs2473427713, ClinGen allele CA354825632.

ClinVar aggregate classification (germline): Uncertain significance (1 of 4 stars; one submission).

Conditions:
Inborn genetic diseases. Identifiers: MedGen C0950123, MeSH D030342.

Submission:

Ambry Genetics
Classification: Uncertain significance for Inborn genetic diseases. Last evaluated: 2022-06-24. Review status: criteria provided, single submitter. Criteria: Ambry Variant Classification Scheme 2023. Collection method: clinical testing. Allele origin: germline.
Comment: The p.L255H variant (also known as c.764T>A), located in coding exon 4 of the ATR gene, results from a T to A substitution at nucleotide position 764. The leucine at codon 255 is replaced by histidine, an amino acid with similar properties. This amino acid position is conserved. In addition, this alteration is predicted to be deleterious by in silico analysis. Since supporting evidence is limited at this time, the clinical significance of this alteration remains unclear.